The following is an entry in ClinVar:

NM_153033.5(KCTD7):c.616C>A (p.Leu206Ile)

Gene: KCTD7 (potassium channel tetramerization domain containing 7; plus strand). Cytogenetic location: 7q11.21.
Variant type: single nucleotide variant.
Coding change: c.616C>A on transcript NM_153033.5 (MANE Select); coding-DNA position 616, C replaced by A.
Protein change: p.Leu206Ile; replaces leucine 206 with isoleucine.
Molecular consequence: missense variant.
Genome position (GRCh38, 1-based): chr7:66,638,978, C>A. VCF-style: chr7-66638978-C-A. GRCh37 (hg19) VCF-style: chr7-66103965-C-A.
Other names: c.616C>A, p.Leu206Ile (NM_001167961.2); short protein forms L206I.
Identifiers: ClinVar variation 2131613 (VCV002131613.4), dbSNP rs140600524, ClinGen allele CA367696984.

ClinVar aggregate classification (germline): Uncertain significance (1 of 4 stars; one submission).

Conditions:
Progressive myoclonic epilepsy type 3. Also called: KCTD7-Related Progressive Myoclonic Epilepsy; EPILEPSY, PROGRESSIVE MYOCLONIC, 3, WITH OR WITHOUT INTRACELLULAR INCLUSIONS; CEROID LIPOFUSCINOSIS, NEURONAL, 14; EPILEPSY, PROGRESSIVE MYOCLONIC, 3, WITHOUT INTRACELLULAR INCLUSIONS. Identifiers: Orphanet 263516, MedGen C2673257, MONDO:0012721, OMIM 611726.

Submission:

Labcorp Genetics (formerly Invitae), Labcorp
Classification: Uncertain significance for Progressive myoclonic epilepsy type 3. Last evaluated: 2023-08-17. Review status: criteria provided, single submitter. Criteria: Invitae Variant Classification Sherloc (09022015). Collection method: clinical testing. Allele origin: germline.
Comment: This sequence change replaces leucine, which is neutral and non-polar, with isoleucine, which is neutral and non-polar, at codon 206 of the KCTD7 protein (p.Leu206Ile). This variant is not present in population databases (gnomAD no frequency). In summary, the available evidence is currently insufficient to determine the role of this variant in disease. Therefore, it has been classified as a Variant of Uncertain Significance. Advanced modeling of protein sequence and biophysical properties (such as structural, functional, and spatial information, amino acid conservation, physicochemical variation, residue mobility, and thermodynamic stability) performed at Invitae indicates that this missense variant is not expected to disrupt KCTD7 protein function. ClinVar contains an entry for this variant (Variation ID: 2131613). This variant has not been reported in the literature in individuals affected with KCTD7-related conditions.